The following is an entry in ClinVar:

NM_001711.6(BGN):c.344A>G (p.His115Arg)

Gene: BGN (biglycan; plus strand). Cytogenetic location: Xq28.
Variant type: single nucleotide variant.
Coding change: c.344A>G on transcript NM_001711.6 (MANE Select); coding-DNA position 344, A replaced by G.
Protein change: p.His115Arg; replaces histidine 115 with arginine.
Molecular consequence: missense variant.
Genome position (GRCh38, 1-based): chrX:153,505,343, A>G. VCF-style: chrX-153505343-A-G. GRCh37 (hg19) VCF-style: chrX-152770801-A-G.
Other names: short protein forms H115R.
Identifiers: ClinVar variation 4526975 (VCV004526975.1).

ClinVar aggregate classification (germline): Uncertain significance (1 of 4 stars; one submission).

Submission:

GeneDx
Classification: Uncertain significance. Last evaluated: 2022-09-23. Review status: criteria provided, single submitter. Criteria: GeneDx Variant Classification Process June 2021. Collection method: clinical testing. Allele origin: germline. Affected: yes.
Comment: In silico analysis supports that this missense variant does not alter protein structure/function; Has not been previously published as pathogenic or benign to our knowledge; Variants in candidate genes are classified as variants of uncertain significance in accordance with ACMG guidelines (Richards et al., 2015)